The following is an entry in ClinVar:

NM_001384474.1(LOXHD1):c.5399+1G>A

Gene: LOXHD1 (lipoxygenase homology PLAT domains 1; minus strand). Cytogenetic location: 18q21.1.
Variant type: single nucleotide variant.
Coding change: c.5399+1G>A on transcript NM_001384474.1 (MANE Select); the canonical splice donor site of the intron after coding-DNA position 5399, G replaced by A.
Molecular consequence: splice donor variant.
Genome position (GRCh38, 1-based): chr18:46,518,128, C>T on the plus strand (G>A on the coding strand, the complement: LOXHD1 is on the minus strand). VCF-style: chr18-46518128-C-T. GRCh37 (hg19) VCF-style: chr18-44098091-C-T.
Other names: c.2066+1G>A (NM_001145472.3); c.1778+1G>A (NM_001308013.2); c.116+1G>A (NM_001173129.2, NM_001145473.3); c.5213+1G>A (NM_144612.7).
Identifiers: ClinVar variation 4816839 (VCV004816839.1).

ClinVar aggregate classification (germline): Likely pathogenic (1 of 4 stars; one submission).

Conditions:
Autosomal recessive nonsyndromic hearing loss 77. Identifiers: Orphanet 90636, MedGen C2746083, MONDO:0013119, OMIM 613079.

Submission:

Natera, Inc.
Classification: Likely pathogenic for Autosomal recessive deafness type 77. Last evaluated: 2025-12-10. Review status: criteria provided, single submitter. Criteria: Natera Variant Classification Schema (03/2026). Collection method: clinical testing. Allele origin: germline.
Comment: The c.5213+1G>A variant in LOXHD1 is a canonical splice donor site variant predicted to affect pre-mRNA splicing, which may result in an abnormal transcript and altered protein product. This variant is expected to result in nonsense mediated decay, truncation, or a dysfunctional protein product. This variant is rare in the general population with a frequency below the threshold expected for the associated phenotype(s). Given the available evidence, this variant is classified as Likely Pathogenic.